The following is an entry in ClinVar:

ClinVar aggregate classification (germline): Benign/Likely benign. Review status: criteria provided, multiple submitters, no conflicts (2 of 4 stars). 3 submissions from 3 submitters: Benign (1); Likely benign (2). Last evaluated 2026-07-13.

Conditions:
SLC52A2-related disorder. Also called: SLC52A2-related condition.
Brown-Vialetto-van Laere syndrome 2. Also called: Riboflavin transporter deficiency type 2; SPINOCEREBELLAR ATAXIA WITH BLINDNESS AND DEAFNESS 2. Identifiers: Orphanet 572543, Orphanet 97229, MedGen C3553538, MONDO:0013867, OMIM 614707.

Allele frequency attached by ClinVar (database versions not stated): 1000 Genomes Project 30x 0.00078; 1000 Genomes Project 0.00080.

Submissions (3):

PreventionGenetics, part of Exact Sciences
Classification: Likely benign for SLC52A2-related condition. Last evaluated: 2026-07-13. Review status: criteria provided, single submitter. Criteria: ACMG Guidelines, 2015. Collection method: clinical testing. Allele origin: germline.
Comment: This variant is classified as likely benign based on ACMG/AMP sequence variant interpretation guidelines (Richards et al. 2015 PMID: 25741868, with internal and published modifications).

Labcorp Genetics (formerly Invitae), Labcorp
Classification: Benign for Brown-Vialetto-van Laere syndrome 2. Last evaluated: 2025-12-08. Review status: criteria provided, single submitter. Criteria: Invitae Variant Classification Sherloc (09022015). Collection method: clinical testing. Allele origin: germline.

Blueprint Genetics
Classification: Likely benign. Last evaluated: 2022-08-17. Review status: criteria provided, single submitter. Criteria: ACMG Guidelines, 2015. Collection method: clinical testing. Allele origin: germline.

NM_001363118.2(SLC52A2):c.888C>A (p.Ala296=)

Gene: SLC52A2 (solute carrier family 52 member 2; plus strand). Cytogenetic location: 8q24.3.
Variant type: single nucleotide variant.
Coding change: c.888C>A on transcript NM_001363118.2 (MANE Select); coding-DNA position 888, C replaced by A.
Protein change: p.Ala296=; no amino-acid change (alanine 296 retained).
Molecular consequence: synonymous variant. On other transcripts: non-coding transcript variant (1).
Genome position (GRCh38, 1-based): chr8:144,360,380, C>A. VCF-style: chr8-144360380-C-A. GRCh37 (hg19) VCF-style: chr8-145584040-C-A.
Other names: c.888C>A, p.Ala296= (NM_001253815.2, NM_001253816.2, NM_001363120.2 and 2 more transcripts); c.396C>A, p.Ala132= (NM_001363122.2); c.888C>A (NM_001253816.1).
Identifiers: ClinVar variation 1164490 (VCV001164490.9), dbSNP rs375399467, ClinGen allele CA4938301.